The following is an entry in ClinVar:

ClinVar aggregate classification (germline): Uncertain significance. Review status: criteria provided, multiple submitters, no conflicts (2 of 4 stars). 3 submissions from 3 submitters: Uncertain significance (3). Last evaluated 2025-06-14.

Conditions:
TTN-related disorder. Also called: TTN-related condition; TTN-related disease; TTN-related disorders.

Allele frequency attached by ClinVar (database versions not stated): ExAC 0.00001; gnomAD 0.00001; gnomAD exomes 0.00001; TOPMed 0.00001.
gnomAD v4.1: 21 of 1,613,760 alleles (0.0013%); highest among the groups gnomAD compares: South Asian, 0.0055%; no homozygotes.

Submissions (3):

PreventionGenetics, part of Exact Sciences
Classification: Uncertain significance for TTN-related condition. Last evaluated: 2025-06-14. Review status: criteria provided, single submitter. Criteria: ACMG Guidelines, 2015. Collection method: clinical testing. Allele origin: germline.
Comment: The TTN c.28709A>G variant is predicted to result in the amino acid substitution p.Asn9570Ser. This variant has been reported as de novo in an individual with congenital heart disease (Table S9, Jin et al. 2017. PubMed ID: 28991257). This variant is reported in 0.0033% of alleles in individuals of South Asian descent in gnomAD and is interpreted as uncertain in ClinVar. At this time, the clinical significance of this variant is uncertain due to the absence of conclusive functional and genetic evidence.

Eurofins Ntd Llc (ga)
Classification: Uncertain significance. Last evaluated: 2015-08-17. Review status: criteria provided, single submitter. Criteria: EGL Classification Definitions 2015. Collection method: clinical testing. Allele origin: germline. Observed: 1 variant allele, 1 heterozygote.

Laboratory for Molecular Medicine, Mass General Brigham Personalized Medicine
Classification: Uncertain significance. Last evaluated: 2013-09-04. Review status: criteria provided, single submitter. Criteria: LMM Criteria. Collection method: clinical testing. Allele origin: germline. Observed: 1 variant allele.
Comment: The Asn8326Ser variant in TTN has not been reported in any other families with c ardiomyopathy or in large population studies. Computational analyses are limited or unavailable for this variant. Additional information is needed to fully asse ss the clinical significance of the Asn8326Ser variant.

NM_001267550.2(TTN):c.28709A>G (p.Asn9570Ser)

Gene: TTN (titin; minus strand). Cytogenetic location: 2q31.2.
Variant type: single nucleotide variant.
Coding change: c.28709A>G on transcript NM_001267550.2 (MANE Select); coding-DNA position 28709, A replaced by G.
Protein change: p.Asn9570Ser; replaces asparagine 9570 with serine.
Molecular consequence: missense variant. On other transcripts: intron variant (3).
Genome position (GRCh38, 1-based): chr2:178,709,610, T>C on the plus strand (A>G on the coding strand, the complement: TTN is on the minus strand). VCF-style: chr2-178709610-T-C. GRCh37 (hg19) VCF-style: chr2-179574337-T-C.
Other names: c.27758A>G, p.Asn9253Ser (NM_001256850.1); c.13282+28472A>G (NM_003319.4); c.13858+28472A>G (NM_133437.4); c.13657+28472A>G (NM_133432.3); c.24977A>G, p.Asn8326Ser (NM_133378.4); short protein forms N8326S, N9570S, N9253S.
Identifiers: ClinVar variation 166131 (VCV000166131.10), dbSNP rs727503641, ClinGen allele CA178927.